The following is an entry in ClinVar:

NM_014141.6(CNTNAP2):c.2249A>G (p.Lys750Arg)

Gene: CNTNAP2 (contactin associated protein 2; plus strand). Cytogenetic location: 7q35.
Variant type: single nucleotide variant.
Coding change: c.2249A>G on transcript NM_014141.6 (MANE Select); coding-DNA position 2249, A replaced by G.
Protein change: p.Lys750Arg; replaces lysine 750 with arginine.
Molecular consequence: missense variant.
Genome position (GRCh38, 1-based): chr7:147,903,715, A>G. VCF-style: chr7-147903715-A-G. GRCh37 (hg19) VCF-style: chr7-147600807-A-G.
Other names: short protein forms K750R.
Identifiers: ClinVar variation 2414524 (VCV002414524.5), dbSNP rs1799913949, ClinGen allele CA369927120.

ClinVar aggregate classification (germline): Uncertain significance (1 of 4 stars; one submission).

Conditions:
Cortical dysplasia-focal epilepsy syndrome (PTHSL1). Also called: Pitt-Hopkins-like syndrome 1. Identifiers: Orphanet 163681, Orphanet 221150, MedGen C2750246, MONDO:0012400, OMIM 610042.

Allele frequency attached by ClinVar (database versions not stated): gnomAD exomes below 0.00001; gnomAD 0.00001.
gnomAD v4.1: 6 of 1,613,540 alleles (0.00037%); highest among the groups gnomAD compares: East Asian, 0.0089%; no homozygotes.

Submission:

Labcorp Genetics (formerly Invitae), Labcorp
Classification: Uncertain significance for Cortical dysplasia-focal epilepsy syndrome. Last evaluated: 2022-07-04. Review status: criteria provided, single submitter. Criteria: Invitae Variant Classification Sherloc (09022015). Collection method: clinical testing. Allele origin: germline.
Comment: This sequence change replaces lysine, which is basic and polar, with arginine, which is basic and polar, at codon 750 of the CNTNAP2 protein (p.Lys750Arg). This variant is not present in population databases (gnomAD no frequency). This variant has not been reported in the literature in individuals affected with CNTNAP2-related conditions. Algorithms developed to predict the effect of missense changes on protein structure and function (SIFT, PolyPhen-2, Align-GVGD) all suggest that this variant is likely to be tolerated. In summary, the available evidence is currently insufficient to determine the role of this variant in disease. Therefore, it has been classified as a Variant of Uncertain Significance.